The following is an entry in ClinVar:

NM_001303052.2(MYT1L):c.2393C>G (p.Pro798Arg)

Gene: MYT1L (myelin transcription factor 1 like; minus strand). Cytogenetic location: 2p25.3.
Variant type: single nucleotide variant.
Coding change: c.2393C>G on transcript NM_001303052.2 (MANE Select); coding-DNA position 2393, C replaced by G.
Protein change: p.Pro798Arg; replaces proline 798 with arginine.
Molecular consequence: missense variant.
Genome position (GRCh38, 1-based): chr2:1,889,368, G>C on the plus strand (C>G on the coding strand, the complement: MYT1L is on the minus strand). VCF-style: chr2-1889368-G-C. GRCh37 (hg19) VCF-style: chr2-1893140-G-C.
Other names: c.2393C>G, p.Pro798Arg (NM_001329844.2, NM_001329845.1, NM_001329851.3); c.2387C>G, p.Pro796Arg (NM_001329846.3, NM_001329847.2, NM_001329848.1 and 3 more transcripts); short protein forms P796R, P798R.
Identifiers: ClinVar variation 1712733 (VCV001712733.2), dbSNP rs2550703491, ClinGen allele CA345710859.

ClinVar aggregate classification (germline): Uncertain significance (1 of 4 stars; one submission).

Submission:

GeneDx
Classification: Uncertain significance. Last evaluated: 2022-04-29. Review status: criteria provided, single submitter. Criteria: GeneDx Variant Classification Process June 2021. Collection method: clinical testing. Allele origin: germline. Affected: yes.
Comment: Not observed at significant frequency in large population cohorts (gnomAD); In silico analysis supports that this missense variant has a deleterious effect on protein structure/function; Has not been previously published as pathogenic or benign to our knowledge